The following is an entry in ClinVar:

NM_000363.5(TNNI3):c.619_620del (p.Lys207fs)

Gene: TNNI3 (troponin I3, cardiac type; minus strand). Cytogenetic location: 19q13.42.
Variant type: Deletion.
Coding change: c.619_620del on transcript NM_000363.5 (MANE Select); coding-DNA positions 619 to 620, 2 bases deleted (AA; older notation c.619_620delAA).
Protein change: p.Lys207fs; shifts the reading frame from lysine 207.
Molecular consequence: frameshift variant.
Genome position (GRCh38, 1-based): chr19:55,151,847-55,151,848, TT deleted on the plus strand (AA on the coding strand, the reverse complement: TNNI3 is on the minus strand); deleting any 2 consecutive bases within chr19:55,151,847-55,151,851 gives the same sequence; the c. name uses the placement nearest the transcript's 3' end. VCF-style (leftmost placement, unchanged base first): chr19-55151846-CTT-C. GRCh37 (hg19) VCF-style: chr19-55663214-CTT-C.
Other names: short protein forms K207fs.
Identifiers: ClinVar variation 3660846 (VCV003660846.2).
Genomic context (GRCh38, chr19:55,151,846, plus strand): 5'-TTTATTCCTCAGGGCCCTCCTCAGGGCAGGGGCAGTAGGCAGGAAGGCTCAGCTCTCAAA[CTT>C]TTTCTTGCGGCCCTCCATTCCACTCAGTGCATCGATGTTCTTGCGCCAGTCTCCCACCTC-3'

ClinVar aggregate classification (germline): Uncertain significance (1 of 4 stars; one submission).

Conditions:
Hypertrophic cardiomyopathy. Also called: HYPERTROPHIC MYOCARDIOPATHY. Identifiers: Orphanet 217569, MedGen C0007194, MeSH D002312, MONDO:0005045, HP:0001639.

Submission:

Labcorp Genetics (formerly Invitae), Labcorp
Classification: Uncertain significance for Hypertrophic cardiomyopathy. Last evaluated: 2024-08-04. Review status: criteria provided, single submitter. Criteria: Invitae Variant Classification Sherloc (09022015). Collection method: clinical testing. Allele origin: germline.
Comment: This sequence change creates a premature translational stop signal (p.Lys207Valfs*2) in the TNNI3 gene. While this is not anticipated to result in nonsense mediated decay, it is expected to disrupt the last 4 amino acid(s) of the TNNI3 protein. This variant is not present in population databases (gnomAD no frequency). This premature translational stop signal has been observed in individual(s) with restrictive cardiomyopathy (PMID: 36252119). In at least one individual the variant was observed to be de novo. Experimental studies and prediction algorithms are not available or were not evaluated, and the functional significance of this variant is currently unknown. Algorithms developed to predict the effect of sequence changes on RNA splicing suggest that this variant may disrupt the consensus splice site. In summary, the available evidence is currently insufficient to determine the role of this variant in disease. Therefore, it has been classified as a Variant of Uncertain Significance.

Literature cited by the submitters: PubMed 36252119.